The following is an entry in ClinVar:

NM_152383.5(DIS3L2):c.1670C>T (p.Ala557Val)

Gene: DIS3L2 (DIS3 like 3'-5' exoribonuclease 2; plus strand). Cytogenetic location: 2q37.1.
Variant type: single nucleotide variant.
Coding change: c.1670C>T on transcript NM_152383.5 (MANE Select); coding-DNA position 1670, C replaced by T.
Protein change: p.Ala557Val; replaces alanine 557 with valine.
Molecular consequence: missense variant. On other transcripts: non-coding transcript variant (2), intron variant (1).
Genome position (GRCh38, 1-based): chr2:232,300,050, C>T. VCF-style: chr2-232300050-C-T. GRCh37 (hg19) VCF-style: chr2-233164760-C-T.
Other names: c.1581+36688C>T (NM_001257281.2); short protein forms A557V.
Identifiers: ClinVar variation 1010183 (VCV001010183.8), dbSNP rs749325957, ClinGen allele CA2164232.

ClinVar aggregate classification (germline): Uncertain significance (1 of 4 stars; one submission).

Conditions:
Perlman syndrome (PRLMNS). Identifiers: Orphanet 2849, MedGen C0796113, MONDO:0009965, OMIM 267000.

Allele frequency attached by ClinVar (database versions not stated): gnomAD exomes below 0.00001; ExAC 0.00001.
gnomAD v4.1: 1 of 1,613,624 alleles (0.000062%); highest among the groups gnomAD compares: East Asian, 0.0022%; no homozygotes.

Submission:

Labcorp Genetics (formerly Invitae), Labcorp
Classification: Uncertain significance for Perlman syndrome. Last evaluated: 2024-04-30. Review status: criteria provided, single submitter. Criteria: Invitae Variant Classification Sherloc (09022015). Collection method: clinical testing. Allele origin: germline.
Comment: This sequence change replaces alanine, which is neutral and non-polar, with valine, which is neutral and non-polar, at codon 557 of the DIS3L2 protein (p.Ala557Val). This variant is present in population databases (rs749325957, gnomAD 0.006%). This variant has not been reported in the literature in individuals affected with DIS3L2-related conditions. ClinVar contains an entry for this variant (Variation ID: 1010183). Advanced modeling of protein sequence and biophysical properties (such as structural, functional, and spatial information, amino acid conservation, physicochemical variation, residue mobility, and thermodynamic stability) performed at Invitae indicates that this missense variant is not expected to disrupt DIS3L2 protein function with a negative predictive value of 80%. In summary, the available evidence is currently insufficient to determine the role of this variant in disease. Therefore, it has been classified as a Variant of Uncertain Significance.